The following is an entry in ClinVar:

ClinVar aggregate classification (germline): Uncertain significance (1 of 4 stars; one submission).

Conditions:
Inborn genetic diseases. Identifiers: MedGen C0950123, MeSH D030342.

Submission:

Ambry Genetics
Classification: Uncertain significance for Inborn genetic diseases. Last evaluated: 2022-07-28. Review status: criteria provided, single submitter. Criteria: Ambry Variant Classification Scheme 2023. Collection method: clinical testing. Allele origin: germline.
Comment: The c.134+4C>T intronic alteration consists of a C to T substitution 4 nucleotides after exon 1 of the EBF3 gene. Based on insufficient or conflicting evidence, the clinical significance of this alteration remains unclear.

NM_001375380.1(EBF3):c.134+4C>T

Gene: EBF3 (EBF transcription factor 3; minus strand). Cytogenetic location: 10q26.3.
Variant type: single nucleotide variant.
Coding change: c.134+4C>T on transcript NM_001375380.1 (MANE Select); 4 bases into the intron after coding-DNA position 134, C replaced by T.
Molecular consequence: intron variant.
Genome position (GRCh38, 1-based): chr10:129,963,631, G>A on the plus strand (C>T on the coding strand, the complement: EBF3 is on the minus strand). VCF-style: chr10-129963631-G-A. GRCh37 (hg19) VCF-style: chr10-131761895-G-A.
Other names: c.134+4C>T (NM_001375392.1, NM_001005463.3, NM_001375390.1 and 3 more transcripts).
Identifiers: ClinVar variation 2301838 (VCV002301838.2), dbSNP rs759021763, ClinGen allele CA2580082461.